The following is an entry in ClinVar:

NM_000554.6(CRX):c.*579T>C

Gene: CRX (cone-rod homeobox; plus strand). Cytogenetic location: 19q13.33.
Variant type: single nucleotide variant.
Coding change: c.*579T>C on transcript NM_000554.6 (MANE Select); 579 bases downstream of the stop codon, T replaced by C.
Molecular consequence: 3 prime UTR variant.
Genome position (GRCh38, 1-based): chr19:47,840,546, T>C. VCF-style: chr19-47840546-T-C. GRCh37 (hg19) VCF-style: chr19-48343803-T-C.
Identifiers: ClinVar variation 329713 (VCV000329713.6), dbSNP rs4356586, ClinGen allele CA10648901.

ClinVar aggregate classification (germline): Benign. Review status: criteria provided, multiple submitters, no conflicts (2 of 4 stars). 4 submissions from 2 submitters: Benign (4). Last evaluated 2018-01-13.

Conditions:
Leber congenital amaurosis 7 (LCA7). Identifiers: Orphanet 65, MedGen C3151192, MONDO:0013449, OMIM 613829.
Retinitis pigmentosa (RP). Identifiers: Orphanet 791, MedGen C0035334, MeSH D012174, MONDO:0019200, OMIM 268000. Inheritance: Autosomal dominant, autosomal recessive and X linked inheritance.
Cone-rod dystrophy 2 (CORD2). Also called: CONE-ROD RETINAL DYSTROPHY; Cone-rod retinal dystrophy 2. Identifiers: Orphanet 1872, MedGen C3489532, MONDO:0007362, OMIM 120970.

Allele frequency attached by ClinVar (database versions not stated): 1000 Genomes Project 0.24221; 1000 Genomes Project 30x 0.24750; TOPMed 0.31594; gnomAD 0.32004 and 0.32205; gnomAD exomes 0.32679.
gnomAD v4.1: 49,169 of 153,194 alleles (32%); highest among the groups gnomAD compares: Non-Finnish European, 40%; 8,555 homozygotes.

Submissions (4):

Illumina Laboratory Services, Illumina
Classification: Benign for Leber congenital amaurosis 7. Last evaluated: 2018-01-13. Review status: criteria provided, single submitter. Criteria: ICSL Variant Classification Criteria 13 December 2019. Collection method: clinical testing. Allele origin: germline.
Comment: This variant was observed in the ICSL laboratory as part of a predisposition screen in an ostensibly healthy population. It had not been previously curated by ICSL or reported in the Human Gene Mutation Database (HGMD: prior to June 1st, 2018), and was therefore a candidate for classification through an automated scoring system. Utilizing variant allele frequency, disease prevalence and penetrance estimates, and inheritance mode, an automated score was calculated to assess if this variant is too frequent to cause the disease. Based on the score and internal cut-off values, a variant classified as benign is not then subjected to further curation. The score for this variant resulted in a classification of benign for this disease.

Illumina Laboratory Services, Illumina
Classification: Benign for Cone-rod dystrophy 2. Last evaluated: 2018-01-13. Review status: criteria provided, single submitter. Criteria: ICSL Variant Classification Criteria 13 December 2019. Collection method: clinical testing. Allele origin: germline.
Comment: the same text as in the submission from Illumina Laboratory Services, Illumina above.

Illumina Laboratory Services, Illumina
Classification: Benign for Retinitis pigmentosa. Last evaluated: 2018-01-13. Review status: criteria provided, single submitter. Criteria: ICSL Variant Classification Criteria 13 December 2019. Collection method: clinical testing. Allele origin: germline.
Comment: the same text as in the submission from Illumina Laboratory Services, Illumina above.

Breakthrough Genomics
Classification: Benign. Review status: criteria provided, single submitter. Criteria: ACMG Guidelines, 2015. Collection method: not provided. Allele origin: germline. Inheritance: Autosomal dominant inheritance. Affected: yes.